The following is an entry in ClinVar:

NM_203446.3(SYNJ1):c.100G>A (p.Glu34Lys)

Gene: SYNJ1 (synaptojanin 1; minus strand). Cytogenetic location: 21q22.11.
Variant type: single nucleotide variant.
Coding change: c.100G>A on transcript NM_203446.3 (MANE Select); coding-DNA position 100, G replaced by A.
Protein change: p.Glu34Lys; replaces glutamic acid 34 with lysine.
Molecular consequence: missense variant.
Genome position (GRCh38, 1-based): chr21:32,726,796, C>T on the plus strand (G>A on the coding strand, the complement: SYNJ1 is on the minus strand). VCF-style: chr21-32726796-C-T. GRCh37 (hg19) VCF-style: chr21-34099107-C-T.
Other names: c.100G>A, p.Glu34Lys (NM_001160302.2, NM_001160306.2); c.217G>A, p.Glu73Lys (NM_003895.4); short protein forms E34K, E73K.
Identifiers: ClinVar variation 2134570 (VCV002134570.4), dbSNP rs2517068448, ClinGen allele CA410077694.
Genomic context (GRCh38, chr21:32,726,796, plus strand): 5'-AGACCATGACAAATTGGGCTCTAACAGATGACTTACAGAGCACAGCGACAGCCCCAGACT[C>T]GAACATGAGACATTCTTCCTTATGCCTAGTTTCCACTATGAGGCTGAAAGGTGGGGGATC-3'
Protein context (NP_982271.3, residues 24-44): TRHKEECLMF[Glu34Lys]SGAVAVLSSA

ClinVar aggregate classification (germline): Uncertain significance (1 of 4 stars; one submission).

Conditions:
Developmental and epileptic encephalopathy, 53. Also called: Epileptic encephalopathy, early infantile, 53. Identifiers: MedGen C4479313, MONDO:0033362, OMIM 617389.
Early-onset Parkinson disease 20. Also called: PARKINSON DISEASE 20, AUTOSOMAL RECESSIVE EARLY-ONSET. Identifiers: Orphanet 391411, MedGen C3809824, MONDO:0014233, OMIM 615530.

Allele frequency attached by ClinVar (database versions not stated): gnomAD exomes below 0.00001.
gnomAD v4.1: 1 of 1,614,158 alleles (0.000062%); highest among the groups gnomAD compares: Non-Finnish European, 0.000085%; no homozygotes.

Submission:

Labcorp Genetics (formerly Invitae), Labcorp
Classification: Uncertain significance for Developmental and epileptic encephalopathy, 53; Early-onset Parkinson disease 20. Last evaluated: 2022-05-06. Review status: criteria provided, single submitter. Criteria: Invitae Variant Classification Sherloc (09022015). Collection method: clinical testing. Allele origin: germline.
Comment: Algorithms developed to predict the effect of missense changes on protein structure and function are either unavailable or do not agree on the potential impact of this missense change (SIFT: "Deleterious"; PolyPhen-2: "Possibly Damaging"; Align-GVGD: "Class C15"). This variant has not been reported in the literature in individuals affected with SYNJ1-related conditions. This variant is not present in population databases (gnomAD no frequency). This sequence change replaces glutamic acid, which is acidic and polar, with lysine, which is basic and polar, at codon 73 of the SYNJ1 protein (p.Glu73Lys). In summary, the available evidence is currently insufficient to determine the role of this variant in disease. Therefore, it has been classified as a Variant of Uncertain Significance.